The following is an entry in ClinVar:

ClinVar aggregate classification (germline): Uncertain significance. Review status: criteria provided, multiple submitters, no conflicts (2 of 4 stars). 3 submissions from 3 submitters: Uncertain significance (3). Last evaluated 2025-11-09.

Conditions:
Familial adenomatous polyposis 1 (FAP1). Also called: FAMILIAL ADENOMATOUS POLYPOSIS 1, ATTENUATED; POLYPOSIS, ADENOMATOUS INTESTINAL. Identifiers: MedGen C2713442, MONDO:0021056, OMIM 175100. Disease mechanism: loss of function.
Hereditary cancer-predisposing syndrome. Also called: Tumor predisposition; Neoplastic Syndromes, Hereditary; Hereditary neoplastic syndrome; Hereditary Cancer Syndrome. Identifiers: Orphanet 140162, MedGen C0027672, MeSH D009386, MONDO:0015356.

Allele frequency attached by ClinVar (database versions not stated): gnomAD exomes below 0.00001 and 0.00002.
gnomAD v4.1: 28 of 1,613,992 alleles (0.0017%); highest among the groups gnomAD compares: Non-Finnish European, 0.0022%; no homozygotes.

Submissions (3):

Labcorp Genetics (formerly Invitae), Labcorp
Classification: Uncertain significance for Familial adenomatous polyposis 1. Last evaluated: 2025-11-09. Review status: criteria provided, single submitter. Criteria: Invitae Variant Classification Sherloc (09022015). Collection method: clinical testing. Allele origin: germline.
Comment: This sequence change replaces serine, which is neutral and polar, with phenylalanine, which is neutral and non-polar, at codon 744 of the APC protein (p.Ser744Phe). This variant is present in population databases (no rsID available, gnomAD 0.0009%). This variant has not been reported in the literature in individuals affected with APC-related conditions. ClinVar contains an entry for this variant (Variation ID: 850010). Invitae Evidence Modeling of protein sequence and biophysical properties (such as structural, functional, and spatial information, amino acid conservation, physicochemical variation, residue mobility, and thermodynamic stability) indicates that this missense variant is not expected to disrupt APC protein function with a negative predictive value of 95%. In summary, the available evidence is currently insufficient to determine the role of this variant in disease. Therefore, it has been classified as a Variant of Uncertain Significance.

Ambry Genetics
Classification: Uncertain significance for Hereditary cancer-predisposing syndrome. Last evaluated: 2024-05-11. Review status: criteria provided, single submitter. Criteria: Ambry Variant Classification Scheme 2023. Collection method: clinical testing. Allele origin: germline.
Comment: The p.S744F variant (also known as c.2231C>T), located in coding exon 15 of the APC gene, results from a C to T substitution at nucleotide position 2231. The serine at codon 744 is replaced by phenylalanine, an amino acid with highly dissimilar properties. This amino acid position is highly conserved in available vertebrate species. In addition, in silico predictors for this gene do not accurately predict pathogenicity. Since supporting evidence is limited at this time, the clinical significance of this alteration remains unclear.

GeneDx
Classification: Uncertain significance. Last evaluated: 2024-01-17. Review status: criteria provided, single submitter. Criteria: GeneDx Variant Classification Process June 2021. Collection method: clinical testing. Allele origin: germline. Affected: yes.
Comment: Not observed at significant frequency in large population cohorts (gnomAD); In silico analysis supports that this missense variant has a deleterious effect on protein structure/function; Has not been previously published as pathogenic or benign to our knowledge; This variant is associated with the following publications: (PMID: 18199528)

NM_000038.6(APC):c.2231C>T (p.Ser744Phe)

Gene: APC (APC regulator of Wnt signaling pathway; plus strand). Cytogenetic location: 5q22.2.
Variant type: single nucleotide variant.
Coding change: c.2231C>T on transcript NM_000038.6 (MANE Select); coding-DNA position 2231, C replaced by T.
Protein change: p.Ser744Phe; replaces serine 744 with phenylalanine.
Molecular consequence: missense variant.
Genome position (GRCh38, 1-based): chr5:112,837,825, C>T. VCF-style: chr5-112837825-C-T. GRCh37 (hg19) VCF-style: chr5-112173522-C-T.
Other names: c.2231C>T, p.Ser744Phe (NM_001127510.3, NM_001354895.2); c.2177C>T, p.Ser726Phe (NM_001127511.3); c.2285C>T, p.Ser762Phe (NM_001354896.2); c.2261C>T, p.Ser754Phe (NM_001354897.2); c.2156C>T, p.Ser719Phe (NM_001354898.2); c.2147C>T, p.Ser716Phe (NM_001354899.2); c.2108C>T, p.Ser703Phe (NM_001354900.2); c.2054C>T, p.Ser685Phe (NM_001354901.2); and 5 more; short protein forms S461F, S584F, S703F, S719F, S643F, S653F, S744F, S618F.
Identifiers: ClinVar variation 850010 (VCV000850010.15), dbSNP rs1158819002, ClinGen allele CA16026224.